The following is an entry in ClinVar:

NM_003839.4(TNFRSF11A):c.1384G>A (p.Gly462Ser)

Gene: TNFRSF11A (TNF receptor superfamily member 11a; plus strand). Cytogenetic location: 18q21.33.
Variant type: single nucleotide variant.
Coding change: c.1384G>A on transcript NM_003839.4 (MANE Select); coding-DNA position 1384, G replaced by A.
Protein change: p.Gly462Ser; replaces glycine 462 with serine.
Molecular consequence: missense variant. On other transcripts: intron variant (3).
Genome position (GRCh38, 1-based): chr18:62,369,301, G>A. VCF-style: chr18-62369301-G-A. GRCh37 (hg19) VCF-style: chr18-60036534-G-A.
Other names: c.1342G>A, p.Gly448Ser (NM_001278268.2); c.783+2541G>A (NM_001270949.2); c.730+7508G>A (NM_001270950.2); c.616+9252G>A (NM_001270951.2); short protein forms G462S, G448S.
Identifiers: ClinVar variation 1946738 (VCV001946738.5), dbSNP rs200767929, ClinGen allele CA8983956.

ClinVar aggregate classification (germline): Uncertain significance (1 of 4 stars; one submission).

Allele frequency attached by ClinVar (database versions not stated): gnomAD 0.00001; TOPMed 0.00001.
gnomAD v4.1: 24 of 1,611,200 alleles (0.0015%); highest among the groups gnomAD compares: Non-Finnish European, 0.002%; no homozygotes.

Submission:

Labcorp Genetics (formerly Invitae), Labcorp
Classification: Uncertain significance. Last evaluated: 2024-08-16. Review status: criteria provided, single submitter. Criteria: Invitae Variant Classification Sherloc (09022015). Collection method: clinical testing. Allele origin: germline.
Comment: This sequence change replaces glycine, which is neutral and non-polar, with serine, which is neutral and polar, at codon 462 of the TNFRSF11A protein (p.Gly462Ser). This variant is present in population databases (rs200767929, gnomAD 0.002%). This variant has not been reported in the literature in individuals affected with TNFRSF11A-related conditions. ClinVar contains an entry for this variant (Variation ID: 1946738). An algorithm developed to predict the effect of missense changes on protein structure and function outputs the following: PolyPhen-2: "Benign". The serine amino acid residue is found in multiple mammalian species, which suggests that this missense change does not adversely affect protein function. In summary, the available evidence is currently insufficient to determine the role of this variant in disease. Therefore, it has been classified as a Variant of Uncertain Significance.